The following is an entry in ClinVar:

ClinVar aggregate classification (germline): Likely benign. Review status: criteria provided, single submitter (1 of 4 stars). 2 submissions from 2 submitters: Likely benign (1). 1 of the submissions does not count toward it. Last evaluated 2025-04-03.

Conditions:
NEB-related disorder. Also called: NEB-Related Disorders; NEB-related condition.
Nemaline myopathy 2 (NEM2). Also called: Nemaline myopathy 2, autosomal recessive. Identifiers: MedGen C1850569, MONDO:0009725, OMIM 256030.

Allele frequency attached by ClinVar (database versions not stated): gnomAD 0.00001; gnomAD exomes 0.00001 and 0.00002; TOPMed 0.00001; ExAC 0.00002.
gnomAD v4.1: 23 of 1,608,076 alleles (0.0014%); highest among the groups gnomAD compares: Non-Finnish European, 0.002%; no homozygotes.

Submissions (2):

Labcorp Genetics (formerly Invitae), Labcorp
Classification: Likely benign for Nemaline myopathy 2. Last evaluated: 2025-04-03. Review status: criteria provided, single submitter. Criteria: Invitae Variant Classification Sherloc (09022015). Collection method: clinical testing. Allele origin: germline.

PreventionGenetics, part of Exact Sciences
Classification: Likely benign for NEB-related condition. Last evaluated: 2023-01-09. Review status: no assertion criteria provided. Collection method: clinical testing. Allele origin: germline. Not counted in ClinVar's aggregate classification.
Comment: This variant is classified as likely benign based on ACMG/AMP sequence variant interpretation guidelines (Richards et al. 2015 PMID: 25741868, with internal and published modifications).

NM_001164508.2(NEB):c.1258-9G>T

Gene: NEB (nebulin; minus strand). Cytogenetic location: 2q23.3.
Variant type: single nucleotide variant.
Coding change: c.1258-9G>T on transcript NM_001164508.2 (MANE Select); 9 bases into the intron before coding-DNA position 1258, G replaced by T.
Molecular consequence: intron variant.
Genome position (GRCh38, 1-based): chr2:151,697,466, C>A on the plus strand (G>T on the coding strand, the complement: NEB is on the minus strand). VCF-style: chr2-151697466-C-A. GRCh37 (hg19) VCF-style: chr2-152553980-C-A.
Other names: c.1258-9G>T (NM_004543.5, NM_001164507.2, NM_001271208.2).
Identifiers: ClinVar variation 749410 (VCV000749410.12), dbSNP rs779907080, ClinGen allele CA1911629.